The following is an entry in ClinVar:

NM_001128205.2(SULF1):c.1837C>G (p.Arg613Gly)

Gene: SULF1 (sulfatase 1; plus strand). Cytogenetic location: 8q13.3.
Variant type: single nucleotide variant.
Coding change: c.1837C>G on transcript NM_001128205.2 (MANE Select); coding-DNA position 1837, C replaced by G.
Protein change: p.Arg613Gly; replaces arginine 613 with glycine.
Molecular consequence: missense variant. On other transcripts: non-coding transcript variant (3).
Genome position (GRCh38, 1-based): chr8:69,624,184, C>G. VCF-style: chr8-69624184-C-G. GRCh37 (hg19) VCF-style: chr8-70536419-C-G.
Other names: c.1837C>G, p.Arg613Gly (NM_001128204.2, NM_001128206.2, NM_015170.3); short protein forms R613G.
Identifiers: ClinVar variation 1348766 (VCV001348766.6), dbSNP rs370193108, ClinGen allele CA371230013.

ClinVar aggregate classification (germline): Uncertain significance (1 of 4 stars; one submission).

gnomAD v4.1: 4 of 1,583,584 alleles (0.00025%); highest among the groups gnomAD compares: Non-Finnish European, 0.00034%; no homozygotes.

Submission:

Labcorp Genetics (formerly Invitae), Labcorp
Classification: Uncertain significance. Last evaluated: 2022-06-04. Review status: criteria provided, single submitter. Criteria: Invitae Variant Classification Sherloc (09022015). Collection method: clinical testing. Allele origin: germline.
Comment: This variant has not been reported in the literature in individuals affected with SULF1-related conditions. ClinVar contains an entry for this variant (Variation ID: 1348766). Algorithms developed to predict the effect of missense changes on protein structure and function are either unavailable or do not agree on the potential impact of this missense change (SIFT: "Deleterious"; PolyPhen-2: "Benign"; Align-GVGD: "Class C0"). In summary, the available evidence is currently insufficient to determine the role of this variant in disease. Therefore, it has been classified as a Variant of Uncertain Significance. This variant is not present in population databases (gnomAD no frequency). This sequence change replaces arginine, which is basic and polar, with glycine, which is neutral and non-polar, at codon 613 of the SULF1 protein (p.Arg613Gly).